The following is an entry in ClinVar:

ClinVar aggregate classification (germline): Uncertain significance. Review status: criteria provided, multiple submitters, no conflicts (2 of 4 stars). 2 submissions from 2 submitters: Uncertain significance (2). Last evaluated 2025-06-25.

Conditions:
Oligodontia-cancer predisposition syndrome. Also called: TOOTH AGENESIS-COLORECTAL CANCER SYNDROME. Identifiers: Orphanet 300576, MedGen C1837750, MONDO:0012075, OMIM 608615. Disease mechanism: loss of function.
Hereditary cancer-predisposing syndrome. Also called: Neoplastic Syndromes, Hereditary; Tumor predisposition; Hereditary neoplastic syndrome; Hereditary Cancer Syndrome. Identifiers: Orphanet 140162, MedGen C0027672, MeSH D009386, MONDO:0015356.

Allele frequency attached by ClinVar (database versions not stated): gnomAD exomes below 0.00001.
gnomAD v4.1: 2 of 1,613,900 alleles (0.00012%); highest among the groups gnomAD compares: Non-Finnish European, 0.000085%; no homozygotes.

Submissions (2):

Ambry Genetics
Classification: Uncertain significance for Hereditary cancer-predisposing syndrome. Last evaluated: 2025-06-25. Review status: criteria provided, single submitter. Criteria: Ambry Variant Classification Scheme 2023. Collection method: clinical testing. Allele origin: germline.
Comment: The p.K526E variant (also known as c.1576A>G), located in coding exon 5 of the AXIN2 gene, results from an A to G substitution at nucleotide position 1576. The lysine at codon 526 is replaced by glutamic acid, an amino acid with similar properties. This amino acid position is conserved. In addition, this alteration is predicted to be tolerated by in silico analysis. Based on the available evidence, the clinical significance of this variant remains unclear.

Labcorp Genetics (formerly Invitae), Labcorp
Classification: Uncertain significance for Oligodontia-cancer predisposition syndrome. Last evaluated: 2025-02-19. Review status: criteria provided, single submitter. Criteria: Invitae Variant Classification Sherloc (09022015). Collection method: clinical testing. Allele origin: germline.
Comment: This sequence change replaces lysine, which is basic and polar, with glutamic acid, which is acidic and polar, at codon 526 of the AXIN2 protein (p.Lys526Glu). This variant is not present in population databases (gnomAD no frequency). This variant has not been reported in the literature in individuals affected with AXIN2-related conditions. ClinVar contains an entry for this variant (Variation ID: 660912). Invitae Evidence Modeling of protein sequence and biophysical properties (such as structural, functional, and spatial information, amino acid conservation, physicochemical variation, residue mobility, and thermodynamic stability) has been performed for this missense variant. However, the output from this modeling did not meet the statistical confidence thresholds required to predict the impact of this variant on AXIN2 protein function. In summary, the available evidence is currently insufficient to determine the role of this variant in disease. Therefore, it has been classified as a Variant of Uncertain Significance.

NM_004655.4(AXIN2):c.1576A>G (p.Lys526Glu)

Gene: AXIN2 (axin 2; minus strand). Cytogenetic location: 17q24.1.
Variant type: single nucleotide variant.
Coding change: c.1576A>G on transcript NM_004655.4 (MANE Select); coding-DNA position 1576, A replaced by G.
Protein change: p.Lys526Glu; replaces lysine 526 with glutamic acid.
Molecular consequence: missense variant.
Genome position (GRCh38, 1-based): chr17:65,537,460, T>C on the plus strand (A>G on the coding strand, the complement: AXIN2 is on the minus strand). VCF-style: chr17-65537460-T-C. GRCh37 (hg19) VCF-style: chr17-63533578-T-C.
Other names: c.1576A>G (LRG_296t1); c.1576A>G, p.Lys526Glu (NM_001363813.1); short protein forms K526E.
Identifiers: ClinVar variation 660912 (VCV000660912.10), dbSNP rs1598098753, ClinGen allele CA400677230.